The following is an entry in ClinVar:

NM_006230.4(POLD2):c.797A>G (p.Lys266Arg)

Gene: POLD2 (DNA polymerase delta 2, accessory subunit; minus strand). Cytogenetic location: 7p13.
Variant type: single nucleotide variant.
Coding change: c.797A>G on transcript NM_006230.4 (MANE Select); coding-DNA position 797, A replaced by G.
Protein change: p.Lys266Arg; replaces lysine 266 with arginine.
Molecular consequence: missense variant.
Genome position (GRCh38, 1-based): chr7:44,116,494, T>C on the plus strand (A>G on the coding strand, the complement: POLD2 is on the minus strand). VCF-style: chr7-44116494-T-C. GRCh37 (hg19) VCF-style: chr7-44156093-T-C.
Other names: c.797A>G, p.Lys266Arg (NM_001127218.3, NM_001256879.2); short protein forms K266R.
Identifiers: ClinVar variation 2779168 (VCV002779168.3), dbSNP rs1255105681, ClinGen allele CA367381820.

ClinVar aggregate classification (germline): Uncertain significance (1 of 4 stars; one submission).

Allele frequency attached by ClinVar (database versions not stated): gnomAD exomes below 0.00001.
gnomAD v4.1: 2 of 1,579,618 alleles (0.00013%); highest among the groups gnomAD compares: Admixed American, 0.0037%; no homozygotes.

Submission:

Labcorp Genetics (formerly Invitae), Labcorp
Classification: Uncertain significance. Last evaluated: 2025-02-17. Review status: criteria provided, single submitter. Criteria: Invitae Variant Classification Sherloc (09022015). Collection method: clinical testing. Allele origin: germline.
Comment: This sequence change replaces lysine, which is basic and polar, with arginine, which is basic and polar, at codon 301 of the POLD2 protein (p.Lys301Arg). This variant is present in population databases (no rsID available, gnomAD 0.007%). This variant has not been reported in the literature in individuals affected with POLD2-related conditions. ClinVar contains an entry for this variant (Variation ID: 2779168). Experimental studies and prediction algorithms are not available or were not evaluated, and the functional significance of this variant is currently unknown. In summary, the available evidence is currently insufficient to determine the role of this variant in disease. Therefore, it has been classified as a Variant of Uncertain Significance.